The following is an entry in ClinVar:

NM_007078.3(LDB3):c.689+3902G>A

Genes: LDB3 (LIM domain binding 3; plus strand), LOC110121486 (VISTA enhancer hs2143; plus strand). Cytogenetic location: 10q23.2.
Variant type: single nucleotide variant.
Coding change: c.689+3902G>A on transcript NM_007078.3 (MANE Select); 3902 bases into the intron after coding-DNA position 689, G replaced by A.
Molecular consequence: intron variant.
Genome position (GRCh38, 1-based): chr10:86,685,705, G>A. VCF-style: chr10-86685705-G-A. GRCh37 (hg19) VCF-style: chr10-88445462-G-A.
Other names: c.689+3902G>A (NM_001368064.1, NM_001368063.1, NM_001368065.1 and 1 more transcripts); c.344+5G>A (NM_001368068.1, NM_001368066.1, NM_001080114.2 and 2 more transcripts); c.690-1364G>A (NM_001171610.2, NM_001171611.2).
Identifiers: ClinVar variation 383282 (VCV000383282.7), dbSNP rs1057521576, ClinGen allele CA16605947.

ClinVar aggregate classification (germline): Conflicting classifications of pathogenicity. Review status: criteria provided, conflicting classifications (1 of 4 stars). 2 submissions from 2 submitters: Uncertain significance (1); Likely benign (1). Last evaluated 2022-11-23.

Conditions:
Myofibrillar myopathy 4. Also called: Zaspopathy (type). Identifiers: Orphanet 98912, MedGen C4721886, MONDO:0012277, OMIM 609452.

Allele frequency attached by ClinVar (database versions not stated): gnomAD 0.00001; TOPMed 0.00001.
gnomAD v4.1: 39 of 1,614,072 alleles (0.0024%); highest among the groups gnomAD compares: Non-Finnish European, 0.0033%; no homozygotes.

Submissions (2):

Labcorp Genetics (formerly Invitae), Labcorp
Classification: Uncertain significance for Myofibrillar myopathy 4. Last evaluated: 2022-11-23. Review status: criteria provided, single submitter. Criteria: Invitae Variant Classification Sherloc (09022015). Collection method: clinical testing. Allele origin: germline.
Comment: Variants that disrupt the consensus splice site are a relatively common cause of aberrant splicing (PMID: 17576681, 9536098). Algorithms developed to predict the effect of sequence changes on RNA splicing suggest that this variant may disrupt the consensus splice site. This sequence change falls in intron 4 of the LDB3 gene. It does not directly change the encoded amino acid sequence of the LDB3 protein. It affects a nucleotide within the consensus splice site. This variant is not present in population databases (gnomAD no frequency). This variant has not been reported in the literature in individuals affected with LDB3-related conditions. ClinVar contains an entry for this variant (Variation ID: 383282). In summary, the available evidence is currently insufficient to determine the role of this variant in disease. Therefore, it has been classified as a Variant of Uncertain Significance.

GeneDx
Classification: Likely benign. Last evaluated: 2016-02-04. Review status: criteria provided, single submitter. Criteria: GeneDx Variant Classification (06012015). Collection method: clinical testing. Allele origin: germline. Affected: yes.
Comment: This variant is considered likely benign or benign based on one or more of the following criteria: it is a conservative change, it occurs at a poorly conserved position in the protein, it is predicted to be benign by multiple in silico algorithms, and/or has population frequency not consistent with disease.

Literature cited by the submitters: PubMed 17576681 (cited by Labcorp Genetics (formerly Invitae), Labcorp); PubMed 9536098 (cited by Labcorp Genetics (formerly Invitae), Labcorp).